The following is an entry in ClinVar:

NM_001040716.2(PC):c.1664G>A (p.Arg555Gln)

Gene: PC (pyruvate carboxylase; minus strand). Cytogenetic location: 11q13.2.
Variant type: single nucleotide variant.
Coding change: c.1664G>A on transcript NM_001040716.2 (MANE Select); coding-DNA position 1664, G replaced by A.
Protein change: p.Arg555Gln; replaces arginine 555 with glutamine.
Molecular consequence: missense variant.
Genome position (GRCh38, 1-based): chr11:66,852,600, C>T on the plus strand (G>A on the coding strand, the complement: PC is on the minus strand). VCF-style: chr11-66852600-C-T. GRCh37 (hg19) VCF-style: chr11-66620071-C-T.
Other names: c.1664G>A, p.Arg555Gln (NM_000920.4, NM_022172.3); short protein forms R555Q.
Identifiers: ClinVar variation 878019 (VCV000878019.9), dbSNP rs148613404, ClinGen allele CA6131296.
Genomic context (GRCh38, chr11:66,852,600, plus strand): 5'-TGGTGGGCGTCCCTGAAGGTCGTGTCCATCAGCAGCAGCCCCGGGTGGTTCCGCACAGCT[C>T]GAGCAAAGCCCTCAGGCCCCTCTCGCAGCAGGATGTCTCTGAAACCAGCCGGGGGCGGGC-3'
Protein context (NP_001035806.1, residues 545-565): LLREGPEGFA[Arg555Gln]AVRNHPGLLL

ClinVar aggregate classification (germline): Conflicting classifications of pathogenicity. Review status: criteria provided, conflicting classifications (1 of 4 stars). 3 submissions from 3 submitters: Uncertain significance (2); Likely benign (1). Last evaluated 2024-12-27.

Conditions:
Pyruvate carboxylase deficiency. Also called: ATAXIA WITH LACTIC ACIDOSIS II; Pyruvate Carboxylase Deficiency Disease; LEIGH NECROTIZING ENCEPHALOPATHY DUE TO PYRUVATE CARBOXYLASE DEFICIENCY; LEIGH SYNDROME DUE TO PYRUVATE CARBOXYLASE DEFICIENCY; PC DEFICIENCY. Identifiers: Orphanet 3008, MedGen C0034341, MONDO:0009949, OMIM 266150.

Allele frequency attached by ClinVar (database versions not stated): ExAC 0.00001; TOPMed 0.00001; gnomAD 0.00002; gnomAD exomes 0.00002; ESP Exome Variant Server 0.00008.
gnomAD v4.1: 31 of 1,613,888 alleles (0.0019%); highest among the groups gnomAD compares: South Asian, 0.0055%; no homozygotes.

Submissions (3):

GeneDx
Classification: Uncertain significance. Last evaluated: 2024-12-27. Review status: criteria provided, single submitter. Criteria: GeneDx Variant Classification Process June 2021. Collection method: clinical testing. Allele origin: germline. Affected: yes.
Comment: Not observed at significant frequency in large population cohorts (gnomAD); In silico analysis indicates that this missense variant does not alter protein structure/function; Has not been previously published as pathogenic or benign to our knowledge

Labcorp Genetics (formerly Invitae), Labcorp
Classification: Likely benign for Pyruvate carboxylase deficiency. Last evaluated: 2023-11-06. Review status: criteria provided, single submitter. Criteria: Invitae Variant Classification Sherloc (09022015). Collection method: clinical testing. Allele origin: germline.

Illumina Laboratory Services, Illumina
Classification: Uncertain significance for Pyruvate carboxylase deficiency. Last evaluated: 2017-04-27. Review status: criteria provided, single submitter. Criteria: ICSL Variant Classification Criteria 13 December 2019. Collection method: clinical testing. Allele origin: germline.